The following is an entry in ClinVar:

NM_201384.3(PLEC):c.8143G>A (p.Ala2715Thr)

Gene: PLEC (plectin; minus strand). Cytogenetic location: 8q24.3.
Variant type: single nucleotide variant.
Coding change: c.8143G>A on transcript NM_201384.3 (MANE Select); coding-DNA position 8143, G replaced by A.
Protein change: p.Ala2715Thr; replaces alanine 2715 with threonine.
Molecular consequence: missense variant.
Genome position (GRCh38, 1-based): chr8:143,921,678, C>T on the plus strand (G>A on the coding strand, the complement: PLEC is on the minus strand). VCF-style: chr8-143921678-C-T. GRCh37 (hg19) VCF-style: chr8-144995846-C-T.
Other names: c.8224G>A, p.Ala2742Thr (NM_000445.5); c.8101G>A, p.Ala2701Thr (NM_201378.4); c.8077G>A, p.Ala2693Thr (NM_201379.3); c.8554G>A, p.Ala2852Thr (NM_201380.4); c.8047G>A, p.Ala2683Thr (NM_201381.3); c.8143G>A, p.Ala2715Thr (NM_201382.4); c.8155G>A, p.Ala2719Thr (NM_201383.3); short protein forms A2693T, A2683T, A2701T, A2715T, A2719T, A2742T, A2852T.
Identifiers: ClinVar variation 1044227 (VCV001044227.6), dbSNP rs781936503, ClinGen allele CA4925408.

ClinVar aggregate classification (germline): Uncertain significance. Review status: criteria provided, multiple submitters, no conflicts (2 of 4 stars). 2 submissions from 2 submitters: Uncertain significance (2). Last evaluated 2025-08-09.

Conditions:
Epidermolysis bullosa simplex 5B, with muscular dystrophy (EBS5B). Also called: EPIDERMOLYSIS BULLOSA SIMPLEX AND LIMB-GIRDLE MUSCULAR DYSTROPHY; Epidermolysis bullosa simplex with muscular dystrophy. Identifiers: Orphanet 257, MedGen C2931072, MONDO:0009181, OMIM 226670.
Epidermolysis bullosa simplex 5C, with pyloric atresia (EBS5C). Also called: Epidermolysis bullosa simplex with pyloric atresia; PLEC-Related Epidermolysis Bullosa with Pyloric Atresia; PLEC1-Related Epidermolysis Bullosa with Pyloric Atresia. Identifiers: Orphanet 158684, MedGen C2677349, MONDO:0012807, OMIM 612138.
Autosomal recessive limb-girdle muscular dystrophy type 2Q (LGMDR17). Also called: MUSCULAR DYSTROPHY, LIMB-GIRDLE, AUTOSOMAL RECESSIVE 17. Identifiers: Orphanet 254361, MedGen C3150989, MONDO:0013390, OMIM 613723.
Epidermolysis bullosa simplex with nail dystrophy (EBS5D). Identifiers: MedGen C4225309, MONDO:0014661, OMIM 616487.
Epidermolysis bullosa simplex, Ogna type (EBS5A). Also called: Pidermolysis bullosa simplex 5A, Ogna type; EPIDERMOLYSIS BULLOSA SIMPLEX 5A, OGNA TYPE. Identifiers: Orphanet 79401, MedGen C0432317, MONDO:0007555, OMIM 131950.

Allele frequency attached by ClinVar (database versions not stated): gnomAD exomes below 0.00001 and 0.00001; TOPMed below 0.00001; ExAC 0.00001; gnomAD 0.00002.
gnomAD v4.1: 15 of 1,613,024 alleles (0.00093%); highest among the groups gnomAD compares: East Asian, 0.0022%; no homozygotes.

Submissions (2):

Labcorp Genetics (formerly Invitae), Labcorp
Classification: Uncertain significance for Autosomal recessive limb-girdle muscular dystrophy type 2Q; Epidermolysis bullosa simplex, Ogna type; Epidermolysis bullosa simplex with nail dystrophy; Epidermolysis bullosa simplex 5C, with pyloric atresia; Epidermolysis bullosa simplex 5B, with muscular dystrophy. Last evaluated: 2025-08-09. Review status: criteria provided, single submitter. Criteria: Invitae Variant Classification Sherloc (09022015). Collection method: clinical testing. Allele origin: germline.
Comment: This sequence change replaces alanine, which is neutral and non-polar, with threonine, which is neutral and polar, at codon 2742 of the PLEC protein (p.Ala2742Thr). This variant is present in population databases (rs781936503, gnomAD 0.0009%). This variant has not been reported in the literature in individuals affected with PLEC-related conditions. ClinVar contains an entry for this variant (Variation ID: 1044227). Invitae Evidence Modeling of protein sequence and biophysical properties (such as structural, functional, and spatial information, amino acid conservation, physicochemical variation, residue mobility, and thermodynamic stability) has been performed for this missense variant. However, the output from this modeling did not meet the statistical confidence thresholds required to predict the impact of this variant on PLEC protein function. In summary, the available evidence is currently insufficient to determine the role of this variant in disease. Therefore, it has been classified as a Variant of Uncertain Significance.

Revvity Omics, Revvity
Classification: Uncertain significance. Last evaluated: 2024-12-17. Review status: criteria provided, single submitter. Criteria: ACMG Guidelines, 2015. Collection method: clinical testing. Allele origin: germline.